The following is an entry in ClinVar:

ClinVar aggregate classification (germline): Pathogenic (1 of 4 stars; one submission).

Submission:

Labcorp Genetics (formerly Invitae), Labcorp
Classification: Pathogenic. Last evaluated: 2022-06-29. Review status: criteria provided, single submitter. Criteria: Invitae Variant Classification Sherloc (09022015). Collection method: clinical testing. Allele origin: germline.
Comment: This sequence change creates a premature translational stop signal (p.Cys643Leufs*34) in the INTS1 gene. It is expected to result in an absent or disrupted protein product. Loss-of-function variants in INTS1 are known to be pathogenic (PMID: 28542170, 30622326). This variant is not present in population databases (gnomAD no frequency). This variant has not been reported in the literature in individuals affected with INTS1-related conditions. For these reasons, this variant has been classified as Pathogenic.

Literature cited by the submitters: PubMed 28542170; PubMed 30622326.

NM_001080453.3(INTS1):c.1927_1928del (p.Cys643fs)

Gene: INTS1 (integrator complex subunit 1; minus strand). Cytogenetic location: 7p22.3.
Variant type: Microsatellite.
Coding change: c.1927_1928del on transcript NM_001080453.3 (MANE Select); coding-DNA positions 1927 to 1928, 2 bases deleted (TG; older notation c.1927_1928delTG).
Protein change: p.Cys643fs; shifts the reading frame from cysteine 643.
Molecular consequence: frameshift variant.
Genome position (GRCh38, 1-based): chr7:1,493,894-1,493,895, CA deleted on the plus strand (TG on the coding strand, the reverse complement: INTS1 is on the minus strand); deleting any 2 consecutive bases within chr7:1,493,894-1,493,897 gives the same sequence; the c. name uses the placement nearest the transcript's 3' end. VCF-style (leftmost placement, unchanged base first): chr7-1493893-GCA-G. GRCh37 (hg19) VCF-style: chr7-1533529-GCA-G.
Other names: short protein forms C643fs.
Identifiers: ClinVar variation 2194809 (VCV002194809.1), dbSNP rs2483365234, ClinGen allele CA2580615827.